The following is an entry in ClinVar:

NM_001127496.3(SPRY4):c.501C>T (p.Cys167=)

Gene: SPRY4 (sprouty RTK signaling antagonist 4; minus strand). Cytogenetic location: 5q31.3.
Variant type: single nucleotide variant.
Coding change: c.501C>T on transcript NM_001127496.3 (MANE Select); coding-DNA position 501, C replaced by T.
Protein change: p.Cys167=; no amino-acid change (cysteine 167 retained).
Molecular consequence: synonymous variant.
Genome position (GRCh38, 1-based): chr5:142,314,608, G>A on the plus strand (C>T on the coding strand, the complement: SPRY4 is on the minus strand). VCF-style: chr5-142314608-G-A. GRCh37 (hg19) VCF-style: chr5-141694173-G-A.
Other names: c.501C>T, p.Cys167= (NM_001293289.3, NM_001293290.3); c.570C>T, p.Cys190= (NM_030964.5).
Identifiers: ClinVar variation 3384903 (VCV003384903.1).

ClinVar aggregate classification (germline): Uncertain significance (1 of 4 stars; one submission).

gnomAD v4.1: 1 of 1,614,232 alleles (0.000062%); highest among the groups gnomAD compares: Non-Finnish European, 0.000085%; no homozygotes.

Submission:

Women's Health and Genetics/Laboratory Corporation of America, LabCorp
Classification: Uncertain significance. Last evaluated: 2024-10-07. Review status: criteria provided, single submitter. Criteria: LabCorp Variant Classification Summary - May 2015. Collection method: clinical testing. Allele origin: germline.
Comment: Variant summary: SPRY4 c.570C>T alters a conserved nucleotide resulting in a synonymous change. Several computational tools predict a significant impact on normal splicing: Three predict the variant creates a 5' donor site, and one predicts the variant strengthens the same cryptic 5' donor site. However, these predictions have yet to be confirmed by functional studies. The variant allele was found at a frequency of 4e-06 in 251232 control chromosomes. The available data on variant occurrences in the general population are insufficient to allow any conclusion about variant significance. To our knowledge, no occurrence of c.570C>T in individuals affected with Hypogonadotropic Hypogonadism 17 With Or Without Anosmia and no experimental evidence demonstrating its impact on protein function have been reported. No submitters have cited clinical-significance assessments for this variant to ClinVar. Based on the evidence outlined above, the variant was classified as uncertain significance.